The following is an entry in ClinVar:

NM_001367479.1(DNAH14):c.295A>G (p.Arg99Gly)

Gene: DNAH14 (dynein axonemal heavy chain 14; plus strand). Cytogenetic location: 1q42.12.
Variant type: single nucleotide variant.
Coding change: c.295A>G on transcript NM_001367479.1 (MANE Select); coding-DNA position 295, A replaced by G.
Protein change: p.Arg99Gly; replaces arginine 99 with glycine.
Molecular consequence: missense variant. On other transcripts: intron variant (1).
Genome position (GRCh38, 1-based): chr1:224,960,230, A>G. VCF-style: chr1-224960230-A-G. GRCh37 (hg19) VCF-style: chr1-225147932-A-G.
Other names: NM_001373.1:c.295A>G; NC_000001.10:g.225147932A>G; c.295A>G, p.Arg99Gly (NM_001145154.3, NM_001349911.2, NM_001367481.1 and 1 more transcripts); c.218-4249A>G (NM_001349912.2); short protein forms R99G.
Identifiers: ClinVar variation 3052480 (VCV003052480.5), dbSNP rs201089763, ClinGen allele CA1415509.

ClinVar aggregate classification (germline): Uncertain significance. Review status: criteria provided, single submitter (1 of 4 stars). 2 submissions from 2 submitters: Uncertain significance (1). 1 of the submissions does not count toward it. Last evaluated 2025-05-05.

Conditions:
DNAH14-related disorder. Also called: DNAH14-related condition.

Allele frequency attached by ClinVar (database versions not stated): ESP Exome Variant Server 0.00050; 1000 Genomes Project 30x 0.00062; TOPMed 0.00070; gnomAD 0.00076; 1000 Genomes Project 0.00080; gnomAD exomes 0.00121; ExAC 0.00240.
gnomAD v4.1: 1,906 of 1,611,936 alleles (0.12%); highest among the groups gnomAD compares: Non-Finnish European, 0.14%; 4 homozygotes.

Submissions (4):

GeneDx
Classification: Uncertain significance. Last evaluated: 2025-05-05. Review status: criteria provided, single submitter. Criteria: GeneDx Variant Classification Process June 2021. Collection method: clinical testing. Allele origin: germline.
Comment: In silico analysis suggests that this missense variant does not alter protein structure/function; Has not been previously published as pathogenic or benign to our knowledge

PreventionGenetics, part of Exact Sciences
Classification: Likely benign for DNAH14-related condition. Last evaluated: 2023-04-20. Review status: no assertion criteria provided. Collection method: clinical testing. Allele origin: germline. Not counted in ClinVar's aggregate classification.
Comment: This variant is classified as likely benign based on ACMG/AMP sequence variant interpretation guidelines (Richards et al. 2015 PMID: 25741868, with internal and published modifications).

Dr. Peter K. Rogan Lab, Western University
No classification provided (evidence only). Condition: Melanoma. Review status: no classification provided. Collection method: in vitro. Allele origin: not applicable. Functional consequence: skipped exon. Not counted in ClinVar's aggregate classification.

Dr. Peter K. Rogan Lab, Western University
No classification provided (evidence only). Condition: Ovarian serous cystadenocarcinoma. Review status: no classification provided. Collection method: in vitro. Allele origin: not applicable. Functional consequence: skipped exon. Not counted in ClinVar's aggregate classification.